The following is an entry in ClinVar:

ClinVar aggregate classification (germline): Uncertain significance. Review status: criteria provided, multiple submitters, no conflicts (2 of 4 stars). 2 submissions from 2 submitters: Uncertain significance (2). Last evaluated 2024-06-11.

Allele frequency attached by ClinVar (database versions not stated): ExAC 0.00004; gnomAD exomes 0.00014; TOPMed 0.00041; gnomAD 0.00043 and 0.00046.
gnomAD v4.1: 122 of 1,611,920 alleles (0.0076%); highest among the groups gnomAD compares: Admixed American, 0.17%; 1 homozygote.

Submissions (2):

Ambry Genetics
Classification: Uncertain significance. Last evaluated: 2024-06-11. Review status: criteria provided, single submitter. Criteria: Ambry Variant Classification Scheme 2023. Collection method: clinical testing. Allele origin: germline.

Labcorp Genetics (formerly Invitae), Labcorp
Classification: Uncertain significance. Last evaluated: 2022-09-01. Review status: criteria provided, single submitter. Criteria: Invitae Variant Classification Sherloc (09022015). Collection method: clinical testing. Allele origin: germline.
Comment: This sequence change replaces arginine, which is basic and polar, with glutamine, which is neutral and polar, at codon 553 of the PLEKHG2 protein (p.Arg553Gln). This variant is present in population databases (rs757310673, gnomAD 0.1%). This variant has not been reported in the literature in individuals affected with PLEKHG2-related conditions. ClinVar contains an entry for this variant (Variation ID: 1044341). Algorithms developed to predict the effect of missense changes on protein structure and function (SIFT, PolyPhen-2, Align-GVGD) all suggest that this variant is likely to be disruptive. In summary, the available evidence is currently insufficient to determine the role of this variant in disease. Therefore, it has been classified as a Variant of Uncertain Significance.

NM_022835.3(PLEKHG2):c.1658G>A (p.Arg553Gln)

Gene: PLEKHG2 (pleckstrin homology and RhoGEF domain containing G2; plus strand). Cytogenetic location: 19q13.2.
Variant type: single nucleotide variant.
Coding change: c.1658G>A on transcript NM_022835.3 (MANE Select); coding-DNA position 1658, G replaced by A.
Protein change: p.Arg553Gln; replaces arginine 553 with glutamine.
Molecular consequence: missense variant.
Genome position (GRCh38, 1-based): chr19:39,422,269, G>A. VCF-style: chr19-39422269-G-A. GRCh37 (hg19) VCF-style: chr19-39912909-G-A.
Other names: c.1481G>A, p.Arg494Gln (NM_001351693.2); c.1658G>A, p.Arg553Gln (NM_001351694.2); c.1658G>A (NM_022835.2); short protein forms R494Q, R553Q.
Identifiers: ClinVar variation 1044341 (VCV001044341.7), dbSNP rs757310673, ClinGen allele CA9429606.